The following is an entry in ClinVar:

NM_003995.4(NPR2):c.2887G>A (p.Gly963Arg)

Genes: NPR2 (natriuretic peptide receptor 2; plus strand), SPAG8 (sperm associated antigen 8; minus strand). Cytogenetic location: 9p13.3.
Variant type: single nucleotide variant.
Coding change: c.2887G>A on transcript NM_003995.4 (MANE Select); coding-DNA position 2887, G replaced by A.
Protein change: p.Gly963Arg; replaces glycine 963 with arginine.
Molecular consequence: missense variant. On other transcripts: intron variant (2).
Genome position (GRCh38, 1-based): chr9:35,808,683, G>A. VCF-style: chr9-35808683-G-A. GRCh37 (hg19) VCF-style: chr9-35808680-G-A.
Other names: c.1373-377C>T (NM_172312.2); c.2896G>A, p.Gly966Arg (NM_001378923.1); c.1201-377C>T (NM_001366760.2); short protein forms G963R, G966R.
Identifiers: ClinVar variation 4881497 (VCV004881497.2).

ClinVar aggregate classification (germline): Uncertain significance (1 of 4 stars; one submission).

Submission:

Dasa
Classification: Uncertain significance. Last evaluated: 2025-01-02. Review status: criteria provided, single submitter. Criteria: DASA Assertion Criteria. Collection method: clinical testing. Allele origin: germline.
Comment: NM_003995.4(NPR2):c.2887G>A (p.Gly963Arg) is a missense variant that results in the substitution of glycine with arginine. This variant is absent from population databases. The currently available literature and clinical evidence are not sufficient to establish a definitive association between this variant and the reported condition. Therefore, this variant is classified as a variant of uncertain significance.